The following is an entry in ClinVar:

NM_002582.4(PARN):c.710G>A (p.Arg237Gln)

Gene: PARN (poly(A)-specific ribonuclease; minus strand). Cytogenetic location: 16p13.12.
Variant type: single nucleotide variant.
Coding change: c.710G>A on transcript NM_002582.4 (MANE Select); coding-DNA position 710, G replaced by A.
Protein change: p.Arg237Gln; replaces arginine 237 with glutamine.
Molecular consequence: missense variant.
Genome position (GRCh38, 1-based): chr16:14,604,219, C>T on the plus strand (G>A on the coding strand, the complement: PARN is on the minus strand). VCF-style: chr16-14604219-C-T. GRCh37 (hg19) VCF-style: chr16-14698076-C-T.
Other names: c.527G>A, p.Arg176Gln (NM_001134477.3); c.572G>A, p.Arg191Gln (NM_001242992.2); short protein forms R237Q, R191Q, R176Q.
Identifiers: ClinVar variation 957514 (VCV000957514.10), dbSNP rs376992177, ClinGen allele CA7912314.
Genomic context (GRCh38, chr16:14,604,219, plus strand): 5'-TGTTTCTGCTGCTCTCTTCTTTTGCGTTCTTCTTCATCTACTTTGCTGATAACTATATAT[C>T]GCTCCTTCTAAAAGACATAAAGCAGATATACAATTTTCTTTTCTTTTTCTTTTTTTTTGA-3'
Protein context (NP_002573.1, residues 227-247): VETLETEKKE[Arg237Gln]YIVISKVDEE

ClinVar aggregate classification (germline): Uncertain significance. Review status: criteria provided, multiple submitters, no conflicts (2 of 4 stars). 3 submissions from 3 submitters: Uncertain significance (3). Last evaluated 2025-11-04.

Conditions:
Dyskeratosis congenita, autosomal recessive 6 (DKCB6). Identifiers: MedGen C4225356, MONDO:0014600, OMIM 616353.
Pulmonary fibrosis and/or bone marrow failure, Telomere-related, 4. Also called: PULMONARY FIBROSIS AND/OR BONE MARROW FAILURE SYNDROME, TELOMERE-RELATED, 4. Identifiers: Orphanet 2032, MedGen C4225347, MONDO:0014612, OMIM 616371.
Inborn genetic diseases. Identifiers: MedGen C0950123, MeSH D030342.

Allele frequency attached by ClinVar (database versions not stated): gnomAD 0.00002; ESP Exome Variant Server 0.00008; TOPMed 0.00009.
gnomAD v4.1: 17 of 1,579,270 alleles (0.0011%); highest among the groups gnomAD compares: African/African-American, 0.0094%; no homozygotes.

Submissions (3):

Labcorp Genetics (formerly Invitae), Labcorp
Classification: Uncertain significance for Dyskeratosis congenita, autosomal recessive 6; Pulmonary fibrosis and/or bone marrow failure, Telomere-related, 4. Last evaluated: 2025-11-04. Review status: criteria provided, single submitter. Criteria: Invitae Variant Classification Sherloc (09022015). Collection method: clinical testing. Allele origin: germline.
Comment: This sequence change replaces arginine, which is basic and polar, with glutamine, which is neutral and polar, at codon 237 of the PARN protein (p.Arg237Gln). The frequency data for this variant in the population databases is considered unreliable, as metrics indicate poor data quality at this position in the gnomAD database. This variant has not been reported in the literature in individuals affected with PARN-related conditions. ClinVar contains an entry for this variant (Variation ID: 957514). Invitae Evidence Modeling of protein sequence and biophysical properties (such as structural, functional, and spatial information, amino acid conservation, physicochemical variation, residue mobility, and thermodynamic stability) indicates that this missense variant is not expected to disrupt PARN protein function with a negative predictive value of 80%. In summary, the available evidence is currently insufficient to determine the role of this variant in disease. Therefore, it has been classified as a Variant of Uncertain Significance.

Ambry Genetics
Classification: Uncertain significance for Inborn genetic diseases. Last evaluated: 2025-02-27. Review status: criteria provided, single submitter. Criteria: Ambry Variant Classification Scheme 2023. Collection method: clinical testing. Allele origin: germline.

Fulgent Genetics
Classification: Uncertain significance for Dyskeratosis congenita, autosomal recessive 6; Pulmonary fibrosis and/or bone marrow failure, Telomere-related, 4. Last evaluated: 2024-03-25. Review status: criteria provided, single submitter. Criteria: ACMG Guidelines, 2015. Collection method: clinical testing. Allele origin: germline.